The following is an entry in ClinVar:

NM_001035.3(RYR2):c.8759G>A (p.Arg2920Gln)

Gene: RYR2 (ryanodine receptor 2; plus strand). Cytogenetic location: 1q43.
Variant type: single nucleotide variant.
Coding change: c.8759G>A on transcript NM_001035.3 (MANE Select); coding-DNA position 8759, G replaced by A.
Protein change: p.Arg2920Gln; replaces arginine 2920 with glutamine.
Molecular consequence: missense variant.
Genome position (GRCh38, 1-based): chr1:237,674,775, G>A. VCF-style: chr1-237674775-G-A. GRCh37 (hg19) VCF-style: chr1-237838075-G-A.
Other names: short protein forms R2920Q.
Identifiers: ClinVar variation 1434412 (VCV001434412.14), dbSNP rs756302327, ClinGen allele CA087724.

ClinVar aggregate classification (germline): Uncertain significance. Review status: criteria provided, multiple submitters, no conflicts (2 of 4 stars). 4 submissions from 4 submitters: Uncertain significance (4). Last evaluated 2025-08-13.

Conditions:
Cardiovascular phenotype. Identifiers: MedGen CN230736.
Catecholaminergic polymorphic ventricular tachycardia 1. Also called: VENTRICULAR TACHYCARDIA, CATECHOLAMINERGIC POLYMORPHIC, 1, WITH OR WITHOUT ATRIAL DYSFUNCTION AND/OR DILATED CARDIOMYOPATHY; RYR2-Related Catecholaminergic Polymorphic Ventricular Tachycardia; VENTRICULAR TACHYCARDIA, STRESS-INDUCED POLYMORPHIC 1. Identifiers: Orphanet 3286, MedGen C1631597, MONDO:0011484, OMIM 604772.
Cardiomyopathy (CMYO). Also called: Cardiomyopathies. Identifiers: Orphanet 167848, MedGen C0878544, MONDO:0004994, HP:0001638. Inheritance: Various modes of inheritance.

Allele frequency attached by ClinVar (database versions not stated): gnomAD exomes below 0.00001; TOPMed below 0.00001; ExAC 0.00001.
gnomAD v4.1: 5 of 1,612,488 alleles (0.00031%); highest among the groups gnomAD compares: South Asian, 0.0011%; no homozygotes.

Submissions (4):

Labcorp Genetics (formerly Invitae), Labcorp
Classification: Uncertain significance for Catecholaminergic polymorphic ventricular tachycardia 1. Last evaluated: 2025-08-13. Review status: criteria provided, single submitter. Criteria: Invitae Variant Classification Sherloc (09022015). Collection method: clinical testing. Allele origin: germline.
Comment: This sequence change replaces arginine, which is basic and polar, with glutamine, which is neutral and polar, at codon 2920 of the RYR2 protein (p.Arg2920Gln). The frequency data for this variant in the population databases is considered unreliable, as metrics indicate poor data quality at this position in the gnomAD database. This variant has not been reported in the literature in individuals affected with RYR2-related conditions. ClinVar contains an entry for this variant (Variation ID: 1434412). Invitae Evidence Modeling of protein sequence and biophysical properties (such as structural, functional, and spatial information, amino acid conservation, physicochemical variation, residue mobility, and thermodynamic stability) indicates that this missense variant is expected to disrupt RYR2 protein function with a positive predictive value of 95%. In summary, the available evidence is currently insufficient to determine the role of this variant in disease. Therefore, it has been classified as a Variant of Uncertain Significance.

GeneDx
Classification: Uncertain significance. Last evaluated: 2025-06-30. Review status: criteria provided, single submitter. Criteria: GeneDx Variant Classification Process June 2021. Collection method: clinical testing. Allele origin: germline. Affected: yes.
Comment: Identified in an abstract by Cai et al., in a patient with family history of sudden death, syncope and prolongation of the QT interval (Cai W. Circulation. DOI 10.1161/circ.134.suppl_1.20155); Not observed at significant frequency in large population cohorts (gnomAD); In abstracts by Cai et al., functional data suggests altered channel activity in heterozygous and homozygous mouse models (Cai W. Circulation. DOI 10.1161/circ.134.suppl_1.20155; Cai W. Circulation. DOI 10.1161/circ.146.suppl_1.11999); Not located in one of the three hot-spot regions of the RYR2 gene, where the majority of pathogenic missense variants occur (PMID: 19926015); In silico analysis supports that this missense variant has a deleterious effect on protein structure/function; This variant is associated with the following publications: (PMID: 19926015, Cai2016[abstract], Cai2022[abstract])

Ambry Genetics
Classification: Uncertain significance for Cardiovascular phenotype. Last evaluated: 2025-04-19. Review status: criteria provided, single submitter. Criteria: Ambry Variant Classification Scheme 2023. Collection method: clinical testing. Allele origin: germline.
Comment: The p.R2920Q variant (also known as c.8759G>A), located in coding exon 60 of the RYR2 gene, results from a G to A substitution at nucleotide position 8759. The arginine at codon 2920 is replaced by glutamine, an amino acid with highly similar properties. This amino acid position is highly conserved in available vertebrate species. In addition, the in silico prediction for this alteration is inconclusive. Since supporting evidence is limited at this time, the clinical significance of this alteration remains unclear.

Color Diagnostics, LLC DBA Color Health
Classification: Uncertain significance for Cardiomyopathy. Last evaluated: 2024-12-16. Review status: criteria provided, single submitter. Criteria: ACMG Guidelines, 2015. Collection method: clinical testing. Allele origin: germline.
Comment: This missense variant replaces arginine with glutamine at codon 2920 of the RYR2 protein. Computational prediction suggests that this variant may have deleterious impact on protein structure and function (internally defined REVEL score threshold >= 0.7, PMID: 27666373). To our knowledge, functional studies have not been reported for this variant. This variant has not been reported in individuals affected with RYR2-related disorders in the literature. This variant has been identified in 1/248832 chromosomes in the general population by the Genome Aggregation Database (gnomAD). The available evidence is insufficient to determine the role of this variant in disease conclusively. Therefore, this variant is classified as a Variant of Uncertain Significance.